The following is an entry in ClinVar:

NM_000293.3(PHKB):c.80C>G (p.Ser27Ter)

Gene: PHKB (phosphorylase kinase regulatory subunit beta; plus strand). Cytogenetic location: 16q12.1.
Variant type: single nucleotide variant.
Coding change: c.80C>G on transcript NM_000293.3 (MANE Select); coding-DNA position 80, C replaced by G.
Protein change: p.Ser27Ter; replaces serine 27 with a stop codon.
Molecular consequence: nonsense.
Genome position (GRCh38, 1-based): chr16:47,497,402, C>G. VCF-style: chr16-47497402-C-G. GRCh37 (hg19) VCF-style: chr16-47531313-C-G.
Other names: c.59C>G, p.Ser20Ter (NM_001031835.3); c.80C>G, p.Ser27Ter (NM_001363837.1); short protein forms S20*, S27*.
Identifiers: ClinVar variation 2697311 (VCV002697311.3), dbSNP rs769640225, ClinGen allele CA396097174.

ClinVar aggregate classification (germline): Pathogenic (1 of 4 stars; one submission).

Conditions:
Glycogen storage disease IXb (GSD9B). Also called: GSD IXb; PHOSPHORYLASE KINASE DEFICIENCY OF LIVER AND MUSCLE, AUTOSOMAL RECESSIVE; GLYCOGENOSIS OF LIVER AND MUSCLE, AUTOSOMAL RECESSIVE. Identifiers: Orphanet 79240, MedGen C0543514, MONDO:0009868, OMIM 261750.

gnomAD v4.1: 1 of 1,586,830 alleles (0.000063%); highest among the groups gnomAD compares: Non-Finnish European, 0.000086%; no homozygotes.

Submission:

Labcorp Genetics (formerly Invitae), Labcorp
Classification: Pathogenic for Glycogen storage disease IXb. Last evaluated: 2023-11-19. Review status: criteria provided, single submitter. Criteria: Invitae Variant Classification Sherloc (09022015). Collection method: clinical testing. Allele origin: germline.
Comment: This sequence change creates a premature translational stop signal (p.Ser27*) in the PHKB gene. It is expected to result in an absent or disrupted protein product. Loss-of-function variants in PHKB are known to be pathogenic (PMID: 9215682, 9326319). This variant is not present in population databases (gnomAD no frequency). This variant has not been reported in the literature in individuals affected with PHKB-related conditions. For these reasons, this variant has been classified as Pathogenic.

Literature cited by the submitters: PubMed 9215682; PubMed 9326319.